The following is an entry in ClinVar:

NM_022356.4(P3H1):c.273G>A (p.Trp91Ter)

Genes: P3H1 (prolyl 3-hydroxylase 1; minus strand), LOC129930352 (ATAC-STARR-seq lymphoblastoid silent region 767; plus strand). Cytogenetic location: 1p34.2.
Variant type: single nucleotide variant.
Coding change: c.273G>A on transcript NM_022356.4 (MANE Select); coding-DNA position 273, G replaced by A.
Protein change: p.Trp91Ter; replaces tryptophan 91 with a stop codon.
Molecular consequence: nonsense.
Genome position (GRCh38, 1-based): chr1:42,766,699, C>T on the plus strand (G>A on the coding strand, the complement: P3H1 is on the minus strand). VCF-style: chr1-42766699-C-T. GRCh37 (hg19) VCF-style: chr1-43232370-C-T.
Other names: c.273G>A, p.Trp91Ter (NM_001146289.2, NM_001243246.2); short protein forms W91*.
Identifiers: ClinVar variation 2976317 (VCV002976317.3), dbSNP rs1481553944, ClinGen allele CA339963774.

ClinVar aggregate classification (germline): Pathogenic (1 of 4 stars; one submission).

Conditions:
Osteogenesis imperfecta type 8 (OI8). Identifiers: MedGen C1970458, MONDO:0012581, OMIM 610915.

gnomAD v4.1: 2 of 1,533,846 alleles (0.00013%); highest among the groups gnomAD compares: Non-Finnish European, 0.000088%; no homozygotes.

Submission:

Labcorp Genetics (formerly Invitae), Labcorp
Classification: Pathogenic for Osteogenesis imperfecta type 8. Last evaluated: 2023-01-12. Review status: criteria provided, single submitter. Criteria: Invitae Variant Classification Sherloc (09022015). Collection method: clinical testing. Allele origin: germline.
Comment: This variant has not been reported in the literature in individuals affected with P3H1-related conditions. This sequence change creates a premature translational stop signal (p.Trp91*) in the P3H1 gene. It is expected to result in an absent or disrupted protein product. Loss-of-function variants in P3H1 are known to be pathogenic (PMID: 17277775, 18566967, 19088120, 22281939). This variant is not present in population databases (gnomAD no frequency). For these reasons, this variant has been classified as Pathogenic.

Literature cited by the submitters: PubMed 17277775; PubMed 18566967; PubMed 19088120; PubMed 22281939.